The following is an entry in ClinVar:

NM_005932.4(MIPEP):c.1526G>A (p.Arg509His)

Gene: MIPEP (mitochondrial intermediate peptidase; minus strand). Cytogenetic location: 13q12.12.
Variant type: single nucleotide variant.
Coding change: c.1526G>A on transcript NM_005932.4 (MANE Select); coding-DNA position 1526, G replaced by A.
Protein change: p.Arg509His; replaces arginine 509 with histidine.
Molecular consequence: missense variant.
Genome position (GRCh38, 1-based): chr13:23,837,569, C>T on the plus strand (G>A on the coding strand, the complement: MIPEP is on the minus strand). VCF-style: chr13-23837569-C-T. GRCh37 (hg19) VCF-style: chr13-24411708-C-T.
Other names: short protein forms R509H.
Identifiers: ClinVar variation 1033048 (VCV001033048.3), dbSNP rs369521380, ClinGen allele CA6912973.

ClinVar aggregate classification (germline): Uncertain significance. Review status: criteria provided, multiple submitters, no conflicts (2 of 4 stars). 2 submissions from 2 submitters: Uncertain significance (2). Last evaluated 2022-09-19.

Conditions:
Inborn genetic diseases. Identifiers: MedGen C0950123, MeSH D030342.
Lethal left ventricular non-compaction-seizures-hypotonia-cataract-developmental delay syndrome. Also called: Combined oxidative phosphorylation deficiency 31. Identifiers: Orphanet 478049, MedGen C4310661, MONDO:0014976, OMIM 617228.

Allele frequency attached by ClinVar (database versions not stated): gnomAD exomes 0.00002 and 0.00010; ExAC 0.00004; gnomAD 0.00004; TOPMed 0.00007; ESP Exome Variant Server 0.00008.
gnomAD v4.1: 146 of 1,611,534 alleles (0.0091%); highest among the groups gnomAD compares: Middle Eastern, 0.016%; 1 homozygote.

Submissions (2):

Ambry Genetics
Classification: Uncertain significance for Inborn genetic diseases. Last evaluated: 2022-09-19. Review status: criteria provided, single submitter. Criteria: Ambry Variant Classification Scheme 2023. Collection method: clinical testing. Allele origin: germline.

Baylor Genetics
Classification: Uncertain significance for Lethal left ventricular non-compaction-seizures-hypotonia-cataract-developmental delay syndrome. Last evaluated: 2018-11-15. Review status: criteria provided, single submitter. Criteria: ACMG Guidelines, 2015. Collection method: clinical testing. Allele origin: maternal. Affected: yes.
Comment: This variant was determined to be of uncertain significance according to ACMG Guidelines, 2015 [PMID:25741868].